The following is an entry in ClinVar:

NM_003036.4(SKI):c.2140C>G (p.Arg714Gly)

Gene: SKI (SKI proto-oncogene; plus strand). Cytogenetic location: 1p36.32.
Variant type: single nucleotide variant.
Coding change: c.2140C>G on transcript NM_003036.4 (MANE Select); coding-DNA position 2140, C replaced by G.
Protein change: p.Arg714Gly; replaces arginine 714 with glycine.
Molecular consequence: missense variant.
Genome position (GRCh38, 1-based): chr1:2,306,718, C>G. VCF-style: chr1-2306718-C-G. GRCh37 (hg19) VCF-style: chr1-2238157-C-G.
Other names: short protein forms R714G.
Identifiers: ClinVar variation 1786581 (VCV001786581.2), dbSNP rs1361712039, ClinGen allele CA337959828.

ClinVar aggregate classification (germline): Uncertain significance (1 of 4 stars; one submission).

Conditions:
Familial thoracic aortic aneurysm and aortic dissection (TAAD). Also called: Thoracic aortic aneurysms and dissections. Identifiers: Orphanet 91387, MedGen C4707243, MONDO:0019625.

Submission:

Ambry Genetics
Classification: Uncertain significance for Familial thoracic aortic aneurysm and aortic dissection. Last evaluated: 2020-11-23. Review status: criteria provided, single submitter. Criteria: Ambry Variant Classification Scheme 2023. Collection method: clinical testing. Allele origin: germline.
Comment: The p.R714G variant (also known as c.2140C>G), located in coding exon 7 of the SKI gene, results from a C to G substitution at nucleotide position 2140. The arginine at codon 714 is replaced by glycine, an amino acid with dissimilar properties. This amino acid position is poorly conserved in available vertebrate species. In addition, this alteration is predicted to be tolerated by in silico analysis. Since supporting evidence is limited at this time, the clinical significance of this alteration remains unclear.